The following is an entry in ClinVar:

NM_018834.6(MATR3):c.2108A>G (p.Asp703Gly)

Genes: MATR3 (matrin 3; plus strand), LOC126807526 (CDK7 strongly-dependent group 2 enhancer GRCh37_chr5:138657767-138658966; plus strand). Cytogenetic location: 5q31.2.
Variant type: single nucleotide variant.
Coding change: c.2108A>G on transcript NM_018834.6 (MANE Select); coding-DNA position 2108, A replaced by G.
Protein change: p.Asp703Gly; replaces aspartic acid 703 with glycine.
Molecular consequence: missense variant.
Genome position (GRCh38, 1-based): chr5:139,322,927, A>G. VCF-style: chr5-139322927-A-G. GRCh37 (hg19) VCF-style: chr5-138658616-A-G.
Other names: c.2108A>G, p.Asp703Gly (NM_001194954.2, NM_001194955.2, NM_001400441.1 and 16 more transcripts); c.1244A>G, p.Asp415Gly (NM_001194956.2); c.1094A>G, p.Asp365Gly (NM_001282278.2, NM_001400460.1, NM_001400462.1 and 5 more transcripts); c.1247A>G, p.Asp416Gly (NM_001400459.1); c.1208A>G, p.Asp403Gly (NM_001400461.1); short protein forms D365G, D403G, D415G, D416G, D703G.
Identifiers: ClinVar variation 3603355 (VCV003603355.2).

ClinVar aggregate classification (germline): Uncertain significance (1 of 4 stars; one submission).

Conditions:
Amyotrophic lateral sclerosis type 21. Also called: VOCAL CORD AND PHARYNGEAL DYSFUNCTION WITH DISTAL MYOPATHY; MYOPATHY, DISTAL, 2. Identifiers: Orphanet 600, Orphanet 803, MedGen C3807521, MONDO:0011632, OMIM 606070.

Submission:

Labcorp Genetics (formerly Invitae), Labcorp
Classification: Uncertain significance for Amyotrophic lateral sclerosis type 21. Last evaluated: 2024-10-24. Review status: criteria provided, single submitter. Criteria: Invitae Variant Classification Sherloc (09022015). Collection method: clinical testing. Allele origin: germline.
Comment: This sequence change replaces aspartic acid, which is acidic and polar, with glycine, which is neutral and non-polar, at codon 703 of the MATR3 protein (p.Asp703Gly). This variant is not present in population databases (gnomAD no frequency). This variant has not been reported in the literature in individuals affected with MATR3-related conditions. Invitae Evidence Modeling of protein sequence and biophysical properties (such as structural, functional, and spatial information, amino acid conservation, physicochemical variation, residue mobility, and thermodynamic stability) indicates that this missense variant is not expected to disrupt MATR3 protein function with a negative predictive value of 80%. In summary, the available evidence is currently insufficient to determine the role of this variant in disease. Therefore, it has been classified as a Variant of Uncertain Significance.